The following is an entry in ClinVar:

NM_007294.4(BRCA1):c.3557T>A (p.Leu1186His)

Genes: BRCA1 (BRCA1 DNA repair associated; minus strand), LOC126862571 (BRD4-independent group 4 enhancer GRCh37_chr17:41243136-41244335; plus strand). Cytogenetic location: 17q21.31.
Variant type: single nucleotide variant.
Coding change: c.3557T>A on transcript NM_007294.4 (MANE Select); coding-DNA position 3557, T replaced by A.
Protein change: p.Leu1186His; replaces leucine 1186 with histidine.
Molecular consequence: missense variant. On other transcripts: intron variant (135).
Genome position (GRCh38, 1-based): chr17:43,091,974, A>T on the plus strand (T>A on the coding strand, the complement: BRCA1 is on the minus strand). VCF-style: chr17-43091974-A-T. GRCh37 (hg19) VCF-style: chr17-41243991-A-T.
Other names: c.788-942T>A (NM_001407974.1, NM_001407980.1, NM_001407993.1 and 17 more transcripts); c.524-942T>A (NM_001408501.1, NM_001408500.1, NM_001408498.1 and 3 more transcripts); c.647-942T>A (NM_001408466.1, NM_001408455.1, NM_001408458.1 and 11 more transcripts); c.3434T>A, p.Leu1145His (NM_001407675.1, NM_001407676.1, NM_001407677.1 and 19 more transcripts); c.578-942T>A (NM_001408492.1, NM_001408513.1, NM_001408481.1 and 9 more transcripts); c.521-942T>A (NM_001408503.1, NM_001408505.1, NM_001408504.1); c.3557T>A, p.Leu1186His (NM_001407581.1, NM_001407582.1, NM_001407583.1 and 30 more transcripts); c.644-942T>A (NM_001408468.1, NM_001408470.1, NM_001408464.1 and 3 more transcripts); and 41 more; short protein forms L1186H, L1139H, L1018H, L1116H, L1119H, L890H, L1058H, L1059H.
Identifiers: ClinVar variation 572392 (VCV000572392.14), dbSNP rs1567791164, ClinGen allele CA10594851.
Genomic context (GRCh38, chr17:43,091,974, plus strand): 5'-GCCCCTCTTCGGTAACCCTGAGCCAAATGTGTATGGGTGAAAGGGCTAGGACTCCTGCTA[A>T]GCTCTCCTTTCTGGACGCTTTTGCTAAAAACAGCAGAACTTTCCTTAATGTCATTTTCAG-3'
Protein context (NP_009225.1, residues 1176-1196): VFSKSVQKGE[Leu1186His]SRSPSPFTHT

ClinVar aggregate classification (germline): Conflicting classifications of pathogenicity. Review status: criteria provided, conflicting classifications (1 of 4 stars). 3 submissions from 3 submitters: Uncertain significance (2); Likely benign (1). Last evaluated 2023-03-23.

Conditions:
Hereditary breast ovarian cancer syndrome. Also called: BRCA1- and BRCA2-Associated Hereditary Breast and Ovarian Cancer; Hereditary breast and ovarian cancer; Hereditary breast and/or ovarian cancer syndrome; Hereditary breast and ovarian cancer syndrome; Hereditary breast and ovarian cancer syndrome (HBOC); Breast and ovarian cancer. Identifiers: Orphanet 145, MedGen C0677776, MeSH D061325, MONDO:0003582. Disease mechanism: loss of function.
Hereditary cancer-predisposing syndrome. Also called: Neoplastic Syndromes, Hereditary; Hereditary Cancer Syndrome; Tumor predisposition; Hereditary neoplastic syndrome. Identifiers: Orphanet 140162, MedGen C0027672, MeSH D009386, MONDO:0015356.

Submissions (3):

University of Washington Department of Laboratory Medicine, University of Washington
Classification: Likely benign for Hereditary cancer-predisposing syndrome. Last evaluated: 2023-03-23. Review status: criteria provided, single submitter. Criteria: Dines et al. (Genet Med. 2020). Collection method: curation. Allele origin: germline.
Comment: Missense variant in a coldspot region where missense variants are very unlikely to be pathogenic (PMID:31911673).

BRCA1 coldspot (exon 11 using historical exon numbering). Reclassification based on statistical prior probability

Ambry Genetics
Classification: Uncertain significance for Hereditary cancer-predisposing syndrome. Last evaluated: 2021-06-20. Review status: criteria provided, single submitter. Criteria: Ambry Variant Classification Scheme 2023. Collection method: clinical testing. Allele origin: germline.
Comment: The p.L1186H variant (also known as c.3557T>A), located in coding exon 9 of the BRCA1 gene, results from a T to A substitution at nucleotide position 3557. The leucine at codon 1186 is replaced by histidine, an amino acid with similar properties. This amino acid position is conserved. In addition, this alteration is predicted to be tolerated by in silico analysis. Since supporting evidence is limited at this time, the clinical significance of this alteration remains unclear.

Labcorp Genetics (formerly Invitae), Labcorp
Classification: Uncertain significance for Hereditary breast ovarian cancer syndrome. Last evaluated: 2018-06-14. Review status: criteria provided, single submitter. Criteria: Invitae Variant Classification Sherloc (09022015). Collection method: clinical testing. Allele origin: germline.
Comment: Algorithms developed to predict the effect of missense changes on protein structure and function are either unavailable or do not agree on the potential impact of this missense change (SIFT: "Tolerated"; PolyPhen-2: "Possibly Damaging"; Align-GVGD: "Class C0"). In summary, the available evidence is currently insufficient to determine the role of this variant in disease. Therefore, it has been classified as a Variant of Uncertain Significance. This variant has not been reported in the literature in individuals with BRCA1-related disease. This variant is not present in population databases (ExAC no frequency). This sequence change replaces leucine with histidine at codon 1186 of the BRCA1 protein (p.Leu1186His). The leucine residue is weakly conserved and there is a moderate physicochemical difference between leucine and histidine.